The following is an entry in ClinVar:

NM_001035.3(RYR2):c.177C>T (p.Pro59=)

Gene: RYR2 (ryanodine receptor 2; plus strand). Cytogenetic location: 1q43.
Variant type: single nucleotide variant.
Coding change: c.177C>T on transcript NM_001035.3 (MANE Select); coding-DNA position 177, C replaced by T.
Protein change: p.Pro59=; no amino-acid change (proline 59 retained).
Molecular consequence: synonymous variant.
Genome position (GRCh38, 1-based): chr1:237,330,886, C>T. VCF-style: chr1-237330886-C-T. GRCh37 (hg19) VCF-style: chr1-237494186-C-T.
Identifiers: ClinVar variation 1332635 (VCV001332635.6), dbSNP rs1274699222, ClinGen allele CA423861500.

ClinVar aggregate classification (germline): Likely benign. Review status: criteria provided, multiple submitters, no conflicts (2 of 4 stars). 3 submissions from 3 submitters: Likely benign (3). Last evaluated 2025-07-30.

Conditions:
Catecholaminergic polymorphic ventricular tachycardia 1. Also called: VENTRICULAR TACHYCARDIA, CATECHOLAMINERGIC POLYMORPHIC, 1, WITH OR WITHOUT ATRIAL DYSFUNCTION AND/OR DILATED CARDIOMYOPATHY; VENTRICULAR TACHYCARDIA, STRESS-INDUCED POLYMORPHIC 1; RYR2-Related Catecholaminergic Polymorphic Ventricular Tachycardia. Identifiers: Orphanet 3286, MedGen C1631597, MONDO:0011484, OMIM 604772.
Catecholaminergic polymorphic ventricular tachycardia (CVPT). Also called: Catecholamine-induced polymorphic ventricular tachycardia. Identifiers: Orphanet 3286, MedGen C5574922, MONDO:0017990.
Cardiomyopathy (CMYO). Also called: Cardiomyopathies. Identifiers: Orphanet 167848, MedGen C0878544, MONDO:0004994, HP:0001638. Inheritance: Various modes of inheritance.

Allele frequency attached by ClinVar (database versions not stated): gnomAD exomes below 0.00001; TOPMed below 0.00001; gnomAD 0.00001.
gnomAD v4.1: 1 of 1,613,786 alleles (0.000062%); highest among the groups gnomAD compares: African/African-American, 0.0013%; no homozygotes.

Submissions (3):

Labcorp Genetics (formerly Invitae), Labcorp
Classification: Likely benign for Catecholaminergic polymorphic ventricular tachycardia 1. Last evaluated: 2025-07-30. Review status: criteria provided, single submitter. Criteria: Invitae Variant Classification Sherloc (09022015). Collection method: clinical testing. Allele origin: germline.

All of Us Research Program, National Institutes of Health
Classification: Likely benign for Catecholaminergic polymorphic ventricular tachycardia. Last evaluated: 2023-11-30. Review status: criteria provided, single submitter. Criteria: ACMG Guidelines, 2015. Collection method: clinical testing. Allele origin: germline. Inheritance: Autosomal dominant inheritance. Observed: 1 variant allele, 1 heterozygote.
Comment: This study involves interpretation of variants in research participants for the purpose of population health screening. Participant phenotype was not available at the time of variant classification. Additional details can be found in publication PMID: 35346344, PMCID: PMC8962531

Color Diagnostics, LLC DBA Color Health
Classification: Likely benign for Cardiomyopathy. Last evaluated: 2021-07-06. Review status: criteria provided, single submitter. Criteria: ACMG Guidelines, 2015. Collection method: clinical testing. Allele origin: germline.